The following is an entry in ClinVar:

NM_020706.2(SCAF4):c.2429C>T (p.Pro810Leu)

Gene: SCAF4 (SR-related CTD associated factor 4; minus strand). Cytogenetic location: 21q22.11.
Variant type: single nucleotide variant.
Coding change: c.2429C>T on transcript NM_020706.2 (MANE Select); coding-DNA position 2429, C replaced by T.
Protein change: p.Pro810Leu; replaces proline 810 with leucine.
Molecular consequence: missense variant.
Genome position (GRCh38, 1-based): chr21:31,685,108, G>A on the plus strand (C>T on the coding strand, the complement: SCAF4 is on the minus strand). VCF-style: chr21-31685108-G-A. GRCh37 (hg19) VCF-style: chr21-33057421-G-A.
Other names: c.2384C>T, p.Pro795Leu (NM_001145444.1); c.2363C>T, p.Pro788Leu (NM_001145445.1); short protein forms P788L, P795L, P810L.
Identifiers: ClinVar variation 5018065 (VCV005018065.1).

ClinVar aggregate classification (germline): Uncertain significance (1 of 4 stars; one submission).

Submission:

GeneDx
Classification: Uncertain significance. Last evaluated: 2026-04-04. Review status: criteria provided, single submitter. Criteria: GeneDx Variant Classification Process June 2021. Collection method: clinical testing. Allele origin: germline.
Comment: Not observed at significant frequency in large population cohorts (gnomAD); In silico analysis supports that this missense variant has a deleterious effect on protein structure/function; Has not been previously published as pathogenic or benign to our knowledge